The following is an entry in ClinVar:

NM_001048174.2(MUTYH):c.1052A>T (p.Gln351Leu)

Gene: MUTYH (mutY DNA glycosylase; minus strand). Cytogenetic location: 1p34.1.
Variant type: single nucleotide variant.
Coding change: c.1052A>T on transcript NM_001048174.2 (MANE Select); coding-DNA position 1052, A replaced by T.
Protein change: p.Gln351Leu; replaces glutamine 351 with leucine.
Molecular consequence: missense variant. On other transcripts: non-coding transcript variant (7).
Genome position (GRCh38, 1-based): chr1:45,331,711, T>A on the plus strand (A>T on the coding strand, the complement: MUTYH is on the minus strand). VCF-style: chr1-45331711-T-A. GRCh37 (hg19) VCF-style: chr1-45797383-T-A.
Other names: c.1052A>T, p.Gln351Leu (NM_001048171.2, NM_001048173.2, NM_001407070.1 and 6 more transcripts); c.1055A>T, p.Gln352Leu (NM_001048172.2, NM_001407071.1, NM_001407078.1 and 1 more transcripts); c.968A>T, p.Gln323Leu (NM_001407075.1); c.1085A>T, p.Gln362Leu (NM_001407077.1, NM_001293191.2, NM_001407069.1); c.1013A>T, p.Gln338Leu (NM_001407079.1); c.1010A>T, p.Gln337Leu (NM_001407080.1); c.1136A>T, p.Gln379Leu (NM_001128425.2); c.1097A>T, p.Gln366Leu (NM_001293190.2); and 5 more; short protein forms Q352L, Q365L, Q376L, Q259L, Q338L, Q362L, Q323L, Q337L.
Identifiers: ClinVar variation 4113043 (VCV004113043.1).

ClinVar aggregate classification (germline): Uncertain significance (1 of 4 stars; one submission).

Conditions:
Hereditary cancer-predisposing syndrome. Also called: Tumor predisposition; Neoplastic Syndromes, Hereditary; Hereditary neoplastic syndrome; Hereditary Cancer Syndrome. Identifiers: Orphanet 140162, MedGen C0027672, MeSH D009386, MONDO:0015356.

Submission:

Ambry Genetics
Classification: Uncertain significance for Hereditary cancer-predisposing syndrome. Last evaluated: 2025-08-27. Review status: criteria provided, single submitter. Criteria: Ambry Variant Classification Scheme 2023. Collection method: clinical testing. Allele origin: germline.
Comment: The p.Q379L variant (also known as c.1136A>T), located in coding exon 12 of the MUTYH gene, results from an A to T substitution at nucleotide position 1136. The glutamine at codon 379 is replaced by leucine, an amino acid with dissimilar properties. This amino acid position is conserved. In addition, the in silico prediction for this alteration is inconclusive. Based on the available evidence, the clinical significance of this variant remains unclear.